The following is an entry in ClinVar:

NM_012434.5(SLC17A5):c.367C>T (p.Gln123Ter)

Gene: SLC17A5 (solute carrier family 17 member 5; minus strand). Cytogenetic location: 6q13.
Variant type: single nucleotide variant.
Coding change: c.367C>T on transcript NM_012434.5 (MANE Select); coding-DNA position 367, C replaced by T.
Protein change: p.Gln123Ter; replaces glutamine 123 with a stop codon.
Molecular consequence: nonsense.
Genome position (GRCh38, 1-based): chr6:73,641,849, G>A on the plus strand (C>T on the coding strand, the complement: SLC17A5 is on the minus strand). VCF-style: chr6-73641849-G-A. GRCh37 (hg19) VCF-style: chr6-74351572-G-A.
Other names: c.136C>T, p.Gln46Ter (NM_001382629.1, NM_001382636.1); c.367C>T, p.Gln123Ter (NM_001382630.1, NM_001382632.1, NM_001382633.1 and 2 more transcripts); c.388C>T, p.Gln130Ter (NM_001382631.1); short protein forms Q123*, Q130*, Q46*.
Identifiers: ClinVar variation 5007092 (VCV005007092.2).
Genomic context (GRCh38, chr6:73,641,849, plus strand): 5'-TCCCAAATCCTAGCAGCATTTTCCCCCCTATTTTGCTGGCAACATATCCTCCAGGAATCT[G>A]TGTGATGATGTAGCCATAAAAAAAGGAACCGAGAATCCATCCTTGAGTTTCTGCATCCCA-3'

ClinVar aggregate classification (germline): Likely pathogenic (1 of 4 stars; one submission).

Conditions:
Sialic acid storage disease, severe infantile type (ISSD). Also called: N-ACETYLNEURAMINIC ACID STORAGE DISEASE; NANA STORAGE DISEASE; SIALURIA, INFANTILE FORM; Free sialic acid storage disease, infantile form; INFANTILE SIALIC ACID STORAGE DISORDER; Infantile Sialic Acid Storage Disease. Identifiers: Orphanet 309324, Orphanet 834, MedGen C1096902, MONDO:0010027, OMIM 269920.
Salla disease (SD). Also called: Sialuria, Finnish type; N-acetylneuraminic acid (NANA) storage disease (NSD); Infantile sialic acid storage disorder (ISSD); Less Severe FSASD (Salla Disease). Identifiers: Orphanet 309334, Orphanet 834, MedGen C1096903, MONDO:0011449, OMIM 604369.

Submission:

Juno Genomics, Hangzhou Juno Genomics, Inc
Classification: Likely pathogenic for Salla disease; Sialic acid storage disease, severe infantile type. Review status: criteria provided, single submitter. Criteria: ACMG Guidelines, 2015. Collection method: clinical testing. Allele origin: germline.
Comment: Null variant in a gene where loss of function (LOF) is a known mechanism of disease.;Absent from controls (or at extremely low frequency if recessive) in Genome Aggregation Database.